The following is an entry in ClinVar:

NM_001394062.1(MACF1):c.14319T>A (p.Pro4773=)

Gene: MACF1 (microtubule actin crosslinking factor 1; plus strand). Cytogenetic location: 1p34.3.
Variant type: single nucleotide variant.
Coding change: c.14319T>A on transcript NM_001394062.1 (MANE Select); coding-DNA position 14319, T replaced by A.
Protein change: p.Pro4773=; no amino-acid change (proline 4773 retained).
Molecular consequence: synonymous variant.
Genome position (GRCh38, 1-based): chr1:39,385,904, T>A. VCF-style: chr1-39385904-T-A. GRCh37 (hg19) VCF-style: chr1-39851576-T-A.
Other names: c.8133T>A, p.Pro2711= (NM_012090.5).
Identifiers: ClinVar variation 2045376 (VCV002045376.29), dbSNP rs143338205, ClinGen allele CA782218.
Genomic context (GRCh38, chr1:39,385,904, plus strand): 5'-CATTGGTGAGCAGTACCTCAAGGATGAACTGAAGAAGCGTTTGGAGACAGTTGCCCTGCC[T>A]CTCCAAGGTTTAGAAGACCTTGCAGGTAAGTTGGGGTGAAGAACATACTTCTGCCATTAT-3'
Protein context (NP_001380991.1, residues 4763-4783): LKKRLETVAL[Pro4773=]LQGLEDLAAD

ClinVar aggregate classification (germline): Benign/Likely benign. Review status: criteria provided, multiple submitters, no conflicts (2 of 4 stars). 3 submissions from 3 submitters: Benign (1); Likely benign (2). Last evaluated 2026-04-01.

Allele frequency attached by ClinVar (database versions not stated): ExAC 0.00069; 1000 Genomes Project 0.00080; gnomAD 0.00080; TOPMed 0.00080; ESP Exome Variant Server 0.00085; 1000 Genomes Project 30x 0.00094; gnomAD exomes 0.00101.
gnomAD v4.1: 1,597 of 1,611,888 alleles (0.099%); highest among the groups gnomAD compares: Admixed American, 0.15%; 4 homozygotes.

Submissions (3):

CeGaT Center for Human Genetics Tuebingen
Classification: Likely benign. Last evaluated: 2026-04-01. Review status: criteria provided, single submitter. Criteria: CeGaT Center For Human Genetics Tuebingen Variant Classification Criteria Version 2. Collection method: clinical testing. Allele origin: germline. Affected: yes. Observed: 2 variant alleles.
Comment: MACF1: BP4, BP7

Labcorp Genetics (formerly Invitae), Labcorp
Classification: Benign. Last evaluated: 2025-06-30. Review status: criteria provided, single submitter. Criteria: Invitae Variant Classification Sherloc (09022015). Collection method: clinical testing. Allele origin: germline.

Blueprint Genetics
Classification: Likely benign. Last evaluated: 2024-11-20. Review status: criteria provided, single submitter. Criteria: ACMG Guidelines, 2015. Collection method: clinical testing. Allele origin: germline.